The following is an entry in ClinVar:

ClinVar aggregate classification (germline): Uncertain significance (1 of 4 stars; one submission).

Conditions:
Gorlin syndrome. Also called: Basal cell nevus syndrome; Nevoid Basal Cell Carcinoma Syndrome. Identifiers: Orphanet 377, MedGen C0004779, MONDO:0007187.

Allele frequency attached by ClinVar (database versions not stated): ExAC 0.00002; gnomAD exomes 0.00003; 1000 Genomes Project 30x 0.00016; 1000 Genomes Project 0.00020.

Submission:

Labcorp Genetics (formerly Invitae), Labcorp
Classification: Uncertain significance for Gorlin syndrome. Last evaluated: 2022-03-16. Review status: criteria provided, single submitter. Criteria: Invitae Variant Classification Sherloc (09022015). Collection method: clinical testing. Allele origin: germline.
Comment: In summary, the available evidence is currently insufficient to determine the role of this variant in disease. Therefore, it has been classified as a Variant of Uncertain Significance. Algorithms developed to predict the effect of missense changes on protein structure and function are either unavailable or do not agree on the potential impact of this missense change (SIFT: "Deleterious"; PolyPhen-2: "Probably Damaging"; Align-GVGD: "Class C0"). This variant has not been reported in the literature in individuals affected with PTCH2-related conditions. This variant is present in population databases (rs202166204, gnomAD 0.01%). This sequence change replaces arginine, which is basic and polar, with tryptophan, which is neutral and slightly polar, at codon 250 of the PTCH2 protein (p.Arg250Trp).

NM_003738.5(PTCH2):c.748C>T (p.Arg250Trp)

Gene: PTCH2 (patched 2; minus strand). Cytogenetic location: 1p34.1.
Variant type: single nucleotide variant.
Coding change: c.748C>T on transcript NM_003738.5 (MANE Select); coding-DNA position 748, C replaced by T.
Protein change: p.Arg250Trp; replaces arginine 250 with tryptophan.
Molecular consequence: missense variant.
Genome position (GRCh38, 1-based): chr1:44,830,913, G>A on the plus strand (C>T on the coding strand, the complement: PTCH2 is on the minus strand). VCF-style: chr1-44830913-G-A. GRCh37 (hg19) VCF-style: chr1-45296585-G-A.
Other names: c.748C>T, p.Arg250Trp (NM_001166292.2); short protein forms R250W.
Identifiers: ClinVar variation 2046783 (VCV002046783.4), dbSNP rs202166204, ClinGen allele CA823539.
Genomic context (GRCh38, chr1:44,830,913, plus strand): 5'-TGCTGTGATGGTTGGGGGCACTAGGTGGGCAGTGGAGGTCATCAGGGTGCAGACAGGGCC[G>A]CCCCACGTAGGCCTGGCCCACCTGTGCCTTGTCTAGCAGCTCCCGGAAGCCCTCAAGGGA-3'
Protein context (NP_003729.3, residues 240-260): KAQVGQAYVG[Arg250Trp]PCLHPDDLHC